The following is an entry in ClinVar:

NM_001384140.1(PCDH15):c.2752-75C>G

Gene: PCDH15 (protocadherin related 15; minus strand). Cytogenetic location: 10q21.1.
Variant type: single nucleotide variant.
Coding change: c.2752-75C>G on transcript NM_001384140.1 (MANE Select); 75 bases into the intron before coding-DNA position 2752, C replaced by G.
Molecular consequence: intron variant.
Genome position (GRCh38, 1-based): chr10:53,995,840, G>C on the plus strand (C>G on the coding strand, the complement: PCDH15 is on the minus strand). VCF-style: chr10-53995840-G-C. GRCh37 (hg19) VCF-style: chr10-55755600-G-C.
Other names: c.2773-75C>G (NM_001354411.2); c.2788-75C>G (NM_001142769.3); c.2686-75C>G (NM_001354404.2, NM_001142773.2, NM_001142768.2); c.2641-75C>G (NM_001142767.2); c.2539-75C>G (NM_001142765.2); c.2752-75C>G (NM_001142766.2, NM_033056.4, NM_001142764.2 and 5 more transcripts); c.2767-75C>G (NM_001142763.2, NM_001142771.2).
Identifiers: ClinVar variation 678858 (VCV000678858.5), dbSNP rs2253647, ClinGen allele CA207174130.

ClinVar aggregate classification (germline): Benign. Review status: criteria provided, multiple submitters, no conflicts (2 of 4 stars). 3 submissions from 3 submitters: Benign (3). Last evaluated 2021-07-01.

Conditions:
Usher syndrome type 1F (USH1F). Also called: USHER SYNDROME, TYPE IF. Identifiers: Orphanet 231169, Orphanet 886, MedGen C1865885, MONDO:0011186, OMIM 602083.

Allele frequency attached by ClinVar (database versions not stated): gnomAD 0.07403 and 0.07354; 1000 Genomes Project 0.10383; 1000 Genomes Project 30x 0.10681; TOPMed 0.07911.
gnomAD v4.1: 60,377 of 1,273,950 alleles (4.7%); highest among the groups gnomAD compares: African/African-American, 16%; 2,368 homozygotes.

Submissions (3):

Genome-Nilou Lab
Classification: Benign for Usher syndrome type 1F. Last evaluated: 2021-07-01. Review status: criteria provided, single submitter. Criteria: ACMG Guidelines, 2015. Collection method: clinical testing. Allele origin: germline. Affected: no.

GeneDx
Classification: Benign. Last evaluated: 2018-06-16. Review status: criteria provided, single submitter. Criteria: GeneDx Variant Classification (06012015). Collection method: clinical testing. Allele origin: germline. Affected: yes.
Comment: This variant is considered likely benign or benign based on one or more of the following criteria: it is a conservative change, it occurs at a poorly conserved position in the protein, it is predicted to be benign by multiple in silico algorithms, and/or has population frequency not consistent with disease.

Breakthrough Genomics
Classification: Benign. Review status: criteria provided, single submitter. Criteria: ACMG Guidelines, 2015. Collection method: not provided. Allele origin: germline. Inheritance: Autosomal recessive inheritance. Affected: yes.